The following is an entry in ClinVar:

ClinVar aggregate classification (germline): Uncertain significance (1 of 4 stars; one submission).

Allele frequency attached by ClinVar (database versions not stated): gnomAD exomes below 0.00001.
gnomAD v4.1: 2 of 1,613,190 alleles (0.00012%); highest among the groups gnomAD compares: Non-Finnish European, 0.00017%; no homozygotes.

Submission:

Labcorp Genetics (formerly Invitae), Labcorp
Classification: Uncertain significance. Last evaluated: 2022-05-30. Review status: criteria provided, single submitter. Criteria: Invitae Variant Classification Sherloc (09022015). Collection method: clinical testing. Allele origin: germline.
Comment: This sequence change replaces methionine, which is neutral and non-polar, with threonine, which is neutral and polar, at codon 547 of the RHOBTB2 protein (p.Met547Thr). This variant is not present in population databases (gnomAD no frequency). This variant has not been reported in the literature in individuals affected with RHOBTB2-related conditions. Algorithms developed to predict the effect of missense changes on protein structure and function (SIFT, PolyPhen-2, Align-GVGD) all suggest that this variant is likely to be disruptive. In summary, the available evidence is currently insufficient to determine the role of this variant in disease. Therefore, it has been classified as a Variant of Uncertain Significance.

NM_015178.3(RHOBTB2):c.1574T>C (p.Met525Thr)

Gene: RHOBTB2 (Rho related BTB domain containing 2; plus strand). Cytogenetic location: 8p21.3.
Variant type: single nucleotide variant.
Coding change: c.1574T>C on transcript NM_015178.3 (MANE Select); coding-DNA position 1574, T replaced by C.
Protein change: p.Met525Thr; replaces methionine 525 with threonine.
Molecular consequence: missense variant.
Genome position (GRCh38, 1-based): chr8:23,008,065, T>C. VCF-style: chr8-23008065-T-C. GRCh37 (hg19) VCF-style: chr8-22865578-T-C.
Other names: c.1640T>C, p.Met547Thr (NM_001160036.2); c.1595T>C, p.Met532Thr (NM_001160037.2); c.1574T>C, p.Met525Thr (NM_001374791.1); short protein forms M532T, M525T, M547T.
Identifiers: ClinVar variation 2081536 (VCV002081536.4), dbSNP rs2487017229, ClinGen allele CA370570413.
Genomic context (GRCh38, chr8:23,008,065, plus strand): 5'-TCCTGGATGATGGCACCATCAGCGCCCACAAGCCCCTGTTGATTTCCAGCTGTGACTGGA[T>C]GGCTGCCATGTTTGGGGGGCCATTTGTGGAGAGCTCCACCCGGGAGGTAAGGCTGAGGAC-3'
Protein context (NP_055993.2, residues 515-535): KPLLISSCDW[Met525Thr]AAMFGGPFVE